The following is an entry in ClinVar:

NM_001363.5(DKC1):c.1456G>A (p.Gly486Arg)

Gene: DKC1 (dyskerin pseudouridine synthase 1; plus strand). Cytogenetic location: Xq28.
Variant type: single nucleotide variant.
Coding change: c.1456G>A on transcript NM_001363.5 (MANE Select); coding-DNA position 1456, G replaced by A.
Protein change: p.Gly486Arg; replaces glycine 486 with arginine.
Molecular consequence: missense variant. On other transcripts: 3 prime UTR variant (1), non-coding transcript variant (3).
Genome position (GRCh38, 1-based): chrX:154,776,304, G>A. VCF-style: chrX-154776304-G-A. GRCh37 (hg19) VCF-style: chrX-154004579-G-A.
Other names: c.1441G>A, p.Gly481Arg (NM_001142463.3); c.*682G>A (NM_001288747.2); short protein forms G486R, G481R.
Identifiers: ClinVar variation 590231 (VCV000590231.22), dbSNP rs150319104, ClinGen allele CA10567280.

ClinVar aggregate classification (germline): Conflicting classifications of pathogenicity. Review status: criteria provided, conflicting classifications (1 of 4 stars). 8 submissions from 8 submitters: Uncertain significance (1); Benign (1); Likely benign (3). 3 of the submissions do not count toward it. Last evaluated 2026-01-26.

Conditions:
DKC1-related disorder. Also called: DKC1-related condition. Identifiers: MedGen CN294808, MONDO:0100152.
Dyskeratosis congenita. Identifiers: Orphanet 1775, MedGen C0265965, MONDO:0015780.
History of neurodevelopmental disorder. Identifiers: MedGen C2711754.

Allele frequency attached by ClinVar (database versions not stated): gnomAD exomes 0.00017 and 0.00053; ExAC 0.00096; 1000 Genomes Project 30x 0.00146; 1000 Genomes Project 0.00159; ESP Exome Variant Server 0.00161; gnomAD 0.00178 and 0.00192; TOPMed 0.00209.
gnomAD v4.1: 402 of 1,198,011 alleles (0.034%); highest among the groups gnomAD compares: African/African-American, 0.64%; no homozygotes.

Submissions (8):

Labcorp Genetics (formerly Invitae), Labcorp
Classification: Benign for Dyskeratosis congenita. Last evaluated: 2026-01-26. Review status: criteria provided, single submitter. Criteria: Invitae Variant Classification Sherloc (09022015). Collection method: clinical testing. Allele origin: germline.

Blueprint Genetics
Classification: Likely benign. Last evaluated: 2024-09-23. Review status: criteria provided, single submitter. Criteria: ACMG Guidelines, 2015. Collection method: clinical testing. Allele origin: germline.

Sema4
Classification: Likely benign for Dyskeratosis congenita. Last evaluated: 2021-12-01. Review status: criteria provided, single submitter. Criteria: Sema4 Curation Guidelines. Collection method: curation. Allele origin: germline.

Genetic Services Laboratory, University of Chicago
Classification: Likely benign. Last evaluated: 2021-06-18. Review status: criteria provided, single submitter. Criteria: ACMG Guidelines, 2015. Collection method: clinical testing. Allele origin: germline. Affected: no.

Ambry Genetics
Classification: Uncertain significance for History of neurodevelopmental disorder. Last evaluated: 2012-12-12. Review status: criteria provided, single submitter. Criteria: Ambry Autosomal Dominant and X-Linked criteria (10/2015). Collection method: clinical testing. Allele origin: germline. Observed: 1 variant allele.
Comment: Co-segregation data for this variant is currently unavailable.This variant has not been detected in conjunction with a pathogenic mutation to date.This variant was previously reported in the SNPDatabase as rs150319104 (Database of Single Nucleotide Polymorphisms (dbSNP). Based on data from the NHLBI Exome Sequencing Project (ESP), the A-allele has an overall frequency of approximately 0.05% (1/1993) total male alleles studied and was not observed in the homozygous state out of 3382 females studied. The A-allele was observed in 0.19% (1/521) African American male alleles but was absent out of 1472 European American male alleles studied. Based on data from the 1000 Genomes Project, the A-allele was absent out of 1048 male alleles studied. This amino acid position is not conserved on species alignment.This alteration is predicted to be possibly damaging with a score of 0.746 (sensitivity: 0.76; specificity: 0.86)This alteration is predicted to be tolerated with a score of 0.520 (conservation: 3.62)

PreventionGenetics, part of Exact Sciences
Classification: Likely benign for DKC1-related condition. Last evaluated: 2019-12-18. Review status: no assertion criteria provided. Collection method: clinical testing. Allele origin: germline. Not counted in ClinVar's aggregate classification.
Comment: This variant is classified as likely benign based on ACMG/AMP sequence variant interpretation guidelines (Richards et al. 2015 PMID: 25741868, with internal and published modifications).

Clinical Genetics DNA and cytogenetics Diagnostics Lab, Erasmus MC, Erasmus Medical Center
Classification: Likely benign. Review status: no assertion criteria provided. Collection method: clinical testing. Allele origin: germline. Affected: yes. Study: VKGL Data-share Consensus. Not counted in ClinVar's aggregate classification.

Laboratory of Diagnostic Genome Analysis, Leiden University Medical Center (LUMC)
Classification: Likely benign. Review status: no assertion criteria provided. Collection method: clinical testing. Allele origin: germline. Affected: yes. Study: VKGL Data-share Consensus. Not counted in ClinVar's aggregate classification.